The following is an entry in ClinVar:

NM_152594.3(SPRED1):c.982G>A (p.Glu328Lys)

Gene: SPRED1 (sprouty related EVH1 domain containing 1; plus strand). Cytogenetic location: 15q14.
Variant type: single nucleotide variant.
Coding change: c.982G>A on transcript NM_152594.3 (MANE Select); coding-DNA position 982, G replaced by A.
Protein change: p.Glu328Lys; replaces glutamic acid 328 with lysine.
Molecular consequence: missense variant.
Genome position (GRCh38, 1-based): chr15:38,351,311, G>A. VCF-style: chr15-38351311-G-A. GRCh37 (hg19) VCF-style: chr15-38643512-G-A.
Other names: c.982G>A (NM_152594.2); short protein forms E328K.
Identifiers: ClinVar variation 1037119 (VCV001037119.11), dbSNP rs1352455265, ClinGen allele CA391933682.

ClinVar aggregate classification (germline): Uncertain significance. Review status: criteria provided, multiple submitters, no conflicts (2 of 4 stars). 3 submissions from 3 submitters: Uncertain significance (3). Last evaluated 2025-07-23.

Conditions:
Legius syndrome. Identifiers: Orphanet 137605, MedGen C1969623, MONDO:0012669, OMIM 611431. Disease mechanism: loss of function.
Cardiovascular phenotype. Identifiers: MedGen CN230736.

Allele frequency attached by ClinVar (database versions not stated): gnomAD exomes 0.00001; TOPMed 0.00001.
gnomAD v4.1: 5 of 1,614,152 alleles (0.00031%); highest among the groups gnomAD compares: Admixed American, 0.0067%; no homozygotes.

Submissions (3):

Labcorp Genetics (formerly Invitae), Labcorp
Classification: Uncertain significance for Legius syndrome. Last evaluated: 2025-07-23. Review status: criteria provided, single submitter. Criteria: Invitae Variant Classification Sherloc (09022015). Collection method: clinical testing. Allele origin: germline.
Comment: This sequence change replaces glutamic acid, which is acidic and polar, with lysine, which is basic and polar, at codon 328 of the SPRED1 protein (p.Glu328Lys). This variant is present in population databases (no rsID available, gnomAD 0.006%). This variant has not been reported in the literature in individuals affected with SPRED1-related conditions. ClinVar contains an entry for this variant (Variation ID: 1037119). Invitae Evidence Modeling of protein sequence and biophysical properties (such as structural, functional, and spatial information, amino acid conservation, physicochemical variation, residue mobility, and thermodynamic stability) indicates that this missense variant is not expected to disrupt SPRED1 protein function with a negative predictive value of 80%. In summary, the available evidence is currently insufficient to determine the role of this variant in disease. Therefore, it has been classified as a Variant of Uncertain Significance.

Ambry Genetics
Classification: Uncertain significance for Cardiovascular phenotype. Last evaluated: 2025-02-08. Review status: criteria provided, single submitter. Criteria: Ambry Variant Classification Scheme 2023. Collection method: clinical testing. Allele origin: germline.
Comment: The p.E328K variant (also known as c.982G>A), located in coding exon 7 of the SPRED1 gene, results from a G to A substitution at nucleotide position 982. The glutamic acid at codon 328 is replaced by lysine, an amino acid with similar properties. This amino acid position is conserved. In addition, the in silico prediction for this alteration is inconclusive. Based on the available evidence, the clinical significance of this variant remains unclear.

GeneDx
Classification: Uncertain significance. Last evaluated: 2023-08-15. Review status: criteria provided, single submitter. Criteria: GeneDx Variant Classification Process June 2021. Collection method: clinical testing. Allele origin: germline. Affected: yes.
Comment: Not observed at significant frequency in large population cohorts (gnomAD); In silico analysis supports that this missense variant does not alter protein structure/function; Has not been previously published as pathogenic or benign to our knowledge